The following is an entry in ClinVar:

ClinVar aggregate classification (germline): Likely pathogenic. Review status: criteria provided, single submitter (1 of 4 stars). 2 submissions from 2 submitters: Likely pathogenic (1). 1 of the submissions does not count toward it. Last evaluated 2024-04-18.

Conditions:
Fanconi anemia complementation group A (FANCA). Also called: Fanconi anemia, group A; FANCA-Related Fanconi Anemia. Identifiers: Orphanet 84, MedGen C3469521, MONDO:0009215, OMIM 227650.
Fanconi anemia (FA). Also called: Fanconi's anemia. Identifiers: Orphanet 84, MedGen C0015625, MeSH D005199, MONDO:0019391.

Submissions (2):

Natera, Inc.
Classification: Likely pathogenic for Fanconi anemia. Last evaluated: 2024-04-18. Review status: criteria provided, single submitter. Criteria: Natera Variant Classification Schema (03/2026). Collection method: clinical testing. Allele origin: germline.
Comment: The c.3396_3399delCCAC variant in FANCA is a frameshift variant predicted to shift the reading frame beginning at codon 1133 and leads to a stop codon 6 codons downstream. This variant is expected to result in nonsense mediated decay, truncation, or a dysfunctional protein product. This variant is rare in the general population with a frequency below the threshold expected for the associated phenotype(s). Given the available evidence, this variant is classified as Likely Pathogenic.

Leiden Open Variation Database
Classification: Pathogenic for Fanconi anemia complementation group A. Last evaluated: 2020-02-28. Review status: no assertion criteria provided. Collection method: curation. Allele origin: germline. Affected: yes. Not counted in ClinVar's aggregate classification.
Comment: Curator: Arleen D. Auerbach. Submitter to LOVD: Arleen D. Auerbach.

NM_000135.4(FANCA):c.3396_3399del (p.His1133fs)

Genes: FANCA (FA complementation group A; minus strand), LOC132090450 (Neanderthal introgressed variant-containing enhancer experimental_46718; plus strand). Cytogenetic location: 16q24.3.
Variant type: Deletion.
Coding change: c.3396_3399del on transcript NM_000135.4 (MANE Select); coding-DNA positions 3396 to 3399, 4 bases deleted (CCAC; older notation c.3396_3399delCCAC).
Protein change: p.His1133fs; shifts the reading frame from histidine 1133.
Molecular consequence: frameshift variant.
Genome position (GRCh38, 1-based): chr16:89,746,840-89,746,843, GTGG deleted on the plus strand (CCAC on the coding strand, the reverse complement: FANCA is on the minus strand); deleting any 4 consecutive bases within chr16:89,746,840-89,746,844 gives the same sequence; the c. name uses the placement nearest the transcript's 3' end. VCF-style (leftmost placement, unchanged base first): chr16-89746839-AGTGG-A. GRCh37 (hg19) VCF-style: chr16-89813247-AGTGG-A.
Other names: c.3396_3399del, p.His1133fs (NM_001286167.3); c.3396_3399delCCAC (NM_000135.3); short protein forms H1133fs.
Identifiers: ClinVar variation 974050 (VCV000974050.2), dbSNP rs2038407808, ClinGen allele CA1139665032.